The following is an entry in ClinVar:

ClinVar aggregate classification (germline): Uncertain significance (1 of 4 stars; one submission).

gnomAD v4.1: 3 of 1,614,074 alleles (0.00019%); highest among the groups gnomAD compares: Non-Finnish European, 0.00025%; no homozygotes.

Submission:

Labcorp Genetics (formerly Invitae), Labcorp
Classification: Uncertain significance. Last evaluated: 2022-07-23. Review status: criteria provided, single submitter. Criteria: Invitae Variant Classification Sherloc (09022015). Collection method: clinical testing. Allele origin: germline.
Comment: This sequence change replaces glycine, which is neutral and non-polar, with alanine, which is neutral and non-polar, at codon 511 of the RFWD3 protein (p.Gly511Ala). This variant is not present in population databases (gnomAD no frequency). In summary, the available evidence is currently insufficient to determine the role of this variant in disease. Therefore, it has been classified as a Variant of Uncertain Significance. Algorithms developed to predict the effect of missense changes on protein structure and function are either unavailable or do not agree on the potential impact of this missense change (SIFT: "Tolerated"; PolyPhen-2: "Possibly Damaging"; Align-GVGD: "Class C0"). This variant has not been reported in the literature in individuals affected with RFWD3-related conditions.

NM_018124.4(RFWD3):c.1532G>C (p.Gly511Ala)

Gene: RFWD3 (ring finger and WD repeat domain 3; minus strand). Cytogenetic location: 16q23.1.
Variant type: single nucleotide variant.
Coding change: c.1532G>C on transcript NM_018124.4 (MANE Select); coding-DNA position 1532, G replaced by C.
Protein change: p.Gly511Ala; replaces glycine 511 with alanine.
Molecular consequence: missense variant.
Genome position (GRCh38, 1-based): chr16:74,632,568, C>G on the plus strand (G>C on the coding strand, the complement: RFWD3 is on the minus strand). VCF-style: chr16-74632568-C-G. GRCh37 (hg19) VCF-style: chr16-74666466-C-G.
Other names: c.1532G>C, p.Gly511Ala (NM_001370534.1, NM_001370535.1, NM_001370536.1); c.698G>C, p.Gly233Ala (NM_001370537.1, NM_001370539.1, NM_001370540.1 and 3 more transcripts); short protein forms G511A, G233A.
Identifiers: ClinVar variation 2019242 (VCV002019242.4), dbSNP rs2543964626, ClinGen allele CA396760587.